The following is an entry in ClinVar:

ClinVar aggregate classification (germline): Uncertain significance. Review status: criteria provided, multiple submitters, no conflicts (2 of 4 stars). 2 submissions from 2 submitters: Uncertain significance (2). Last evaluated 2025-10-13.

Conditions:
Familial cancer of breast. Also called: BREAST CANCER, FAMILIAL; Hereditary breast cancer; hereditary breast carcinoma. Identifiers: Orphanet 227535, MedGen C0346153, MONDO:0016419, OMIM 114480. Disease mechanism: loss of function.
Hereditary cancer-predisposing syndrome. Also called: Neoplastic Syndromes, Hereditary; Tumor predisposition; Hereditary neoplastic syndrome; Hereditary Cancer Syndrome. Identifiers: Orphanet 140162, MedGen C0027672, MeSH D009386, MONDO:0015356.

Allele frequency attached by ClinVar (database versions not stated): gnomAD exomes below 0.00001.
gnomAD v4.1: 2 of 1,614,066 alleles (0.00012%); highest among the groups gnomAD compares: South Asian, 0.0022%; no homozygotes.

Submissions (2):

Labcorp Genetics (formerly Invitae), Labcorp
Classification: Uncertain significance for Familial cancer of breast. Last evaluated: 2025-10-13. Review status: criteria provided, single submitter. Criteria: Invitae Variant Classification Sherloc (09022015). Collection method: clinical testing. Allele origin: germline.
Comment: This sequence change replaces serine, which is neutral and polar, with asparagine, which is neutral and polar, at codon 403 of the BARD1 protein (p.Ser403Asn). This variant is not present in population databases (gnomAD no frequency). This variant has not been reported in the literature in individuals affected with BARD1-related conditions. ClinVar contains an entry for this variant (Variation ID: 628746). An algorithm developed to predict the effect of missense changes on protein structure and function outputs the following: PolyPhen-2: "Benign". The asparagine amino acid residue is found in multiple mammalian species, which suggests that this missense change does not adversely affect protein function. In summary, the available evidence is currently insufficient to determine the role of this variant in disease. Therefore, it has been classified as a Variant of Uncertain Significance.

Color Diagnostics, LLC DBA Color Health
Classification: Uncertain significance for Hereditary cancer-predisposing syndrome. Last evaluated: 2023-12-04. Review status: criteria provided, single submitter. Criteria: ACMG Guidelines, 2015. Collection method: clinical testing. Allele origin: germline.
Comment: This missense variant replaces serine with asparagine at codon 403 of the BARD1 protein. Computational prediction suggests that this variant may not impact protein structure and function (internally defined REVEL score threshold <= 0.5, PMID: 27666373). To our knowledge, functional studies have not been reported for this variant. This variant has not been reported in individuals affected with BARD1-related disorders in the literature. This variant has not been identified in the general population by the Genome Aggregation Database (gnomAD). The available evidence is insufficient to determine the role of this variant in disease conclusively. Therefore, this variant is classified as a Variant of Uncertain Significance.

NM_000465.4(BARD1):c.1208G>A (p.Ser403Asn)

Gene: BARD1 (BRCA1 associated RING domain 1; minus strand). Cytogenetic location: 2q35.
Variant type: single nucleotide variant.
Coding change: c.1208G>A on transcript NM_000465.4 (MANE Select); coding-DNA position 1208, G replaced by A.
Protein change: p.Ser403Asn; replaces serine 403 with asparagine.
Molecular consequence: missense variant. On other transcripts: non-coding transcript variant (2), intron variant (3).
Genome position (GRCh38, 1-based): chr2:214,780,666, C>T on the plus strand (G>A on the coding strand, the complement: BARD1 is on the minus strand). VCF-style: chr2-214780666-C-T. GRCh37 (hg19) VCF-style: chr2-215645390-C-T.
Other names: c.1151G>A, p.Ser384Asn (NM_001282543.2); c.159-28111G>A (NM_001282548.2); c.215+16395G>A (NM_001282545.2); c.364+11631G>A (NM_001282549.2); short protein forms S403N, S384N.
Identifiers: ClinVar variation 628746 (VCV000628746.12), dbSNP rs1553622181, ClinGen allele CA350453726.
Genomic context (GRCh38, chr2:214,780,666, plus strand): 5'-TTCACAGCCATATTGGGCAACAGCTTCATTGCTGAGGGACTAGACATCACTCGCCTGTAA[C>T]TTGAACTACTTAATGTAGAAGGTGGTGTACCTGGTGAAAGACTAATGAATTCATCGGACA-3'
Protein context (NP_000456.2, residues 393-413): GTPPSTLSSS[Ser403Asn]YRRVMSSPSA